The following is an entry in ClinVar:

ClinVar aggregate classification (germline): Uncertain significance (1 of 4 stars; one submission).

Allele frequency attached by ClinVar (database versions not stated): gnomAD exomes below 0.00001.
gnomAD v4.1: 1 of 1,612,186 alleles (0.000062%); highest among the groups gnomAD compares: Admixed American, 0.0017%; no homozygotes.

Submission:

Labcorp Genetics (formerly Invitae), Labcorp
Classification: Uncertain significance. Last evaluated: 2025-03-18. Review status: criteria provided, single submitter. Criteria: Invitae Variant Classification Sherloc (09022015). Collection method: clinical testing. Allele origin: germline.
Comment: This sequence change replaces proline, which is neutral and non-polar, with leucine, which is neutral and non-polar, at codon 514 of the COL4A1 protein (p.Pro514Leu). This variant is present in population databases (no rsID available, gnomAD 0.003%). This variant has not been reported in the literature in individuals affected with COL4A1-related conditions. ClinVar contains an entry for this variant (Variation ID: 1506169). Invitae Evidence Modeling of protein sequence and biophysical properties (such as structural, functional, and spatial information, amino acid conservation, physicochemical variation, residue mobility, and thermodynamic stability) indicates that this missense variant is not expected to disrupt COL4A1 protein function with a negative predictive value of 95%. In summary, the available evidence is currently insufficient to determine the role of this variant in disease. Therefore, it has been classified as a Variant of Uncertain Significance.

NM_001845.6(COL4A1):c.1541C>T (p.Pro514Leu)

Gene: COL4A1 (collagen type IV alpha 1 chain; minus strand). Cytogenetic location: 13q34.
Variant type: single nucleotide variant.
Coding change: c.1541C>T on transcript NM_001845.6 (MANE Select); coding-DNA position 1541, C replaced by T.
Protein change: p.Pro514Leu; replaces proline 514 with leucine.
Molecular consequence: missense variant.
Genome position (GRCh38, 1-based): chr13:110,187,325, G>A on the plus strand (C>T on the coding strand, the complement: COL4A1 is on the minus strand). VCF-style: chr13-110187325-G-A. GRCh37 (hg19) VCF-style: chr13-110839672-G-A.
Other names: short protein forms P514L.
Identifiers: ClinVar variation 1506169 (VCV001506169.8), dbSNP rs1235407477, ClinGen allele CA388723231.